The following is an entry in ClinVar:

NM_021076.4(NEFH):c.2138A>G (p.Lys713Arg)

Gene: NEFH (neurofilament heavy chain; plus strand). Cytogenetic location: 22q12.2.
Variant type: single nucleotide variant.
Coding change: c.2138A>G on transcript NM_021076.4 (MANE Select); coding-DNA position 2138, A replaced by G.
Protein change: p.Lys713Arg; replaces lysine 713 with arginine.
Molecular consequence: missense variant.
Genome position (GRCh38, 1-based): chr22:29,489,778, A>G. VCF-style: chr22-29489778-A-G. GRCh37 (hg19) VCF-style: chr22-29885767-A-G.
Other names: short protein forms K713R.
Identifiers: ClinVar variation 2098285 (VCV002098285.4), dbSNP rs2517978449, ClinGen allele CA411136060.

ClinVar aggregate classification (germline): Uncertain significance (1 of 4 stars; one submission).

Submission:

Labcorp Genetics (formerly Invitae), Labcorp
Classification: Uncertain significance. Last evaluated: 2022-02-18. Review status: criteria provided, single submitter. Criteria: Invitae Variant Classification Sherloc (09022015). Collection method: clinical testing. Allele origin: germline.
Comment: This sequence change replaces lysine, which is basic and polar, with arginine, which is basic and polar, at codon 713 of the NEFH protein (p.Lys713Arg). This variant is not present in population databases (gnomAD no frequency). This variant has not been reported in the literature in individuals affected with NEFH-related conditions. Advanced modeling of protein sequence and biophysical properties (such as structural, functional, and spatial information, amino acid conservation, physicochemical variation, residue mobility, and thermodynamic stability) performed at Invitae indicates that this missense variant is not expected to disrupt NEFH protein function. In summary, the available evidence is currently insufficient to determine the role of this variant in disease. Therefore, it has been classified as a Variant of Uncertain Significance.